The following is an entry in ClinVar:

NM_021072.4(HCN1):c.1510C>T (p.Arg504Ter)

Gene: HCN1 (hyperpolarization activated cyclic nucleotide gated potassium channel 1; minus strand). Cytogenetic location: 5p12.
Variant type: single nucleotide variant.
Coding change: c.1510C>T on transcript NM_021072.4 (MANE Select); coding-DNA position 1510, C replaced by T.
Protein change: p.Arg504Ter; replaces arginine 504 with a stop codon.
Molecular consequence: nonsense.
Genome position (GRCh38, 1-based): chr5:45,303,707, G>A on the plus strand (C>T on the coding strand, the complement: HCN1 is on the minus strand). VCF-style: chr5-45303707-G-A. GRCh37 (hg19) VCF-style: chr5-45303809-G-A.
Other names: short protein forms R504*.
Identifiers: ClinVar variation 754429 (VCV000754429.14), dbSNP rs35229491, ClinGen allele CA118283633.

ClinVar aggregate classification (germline): Conflicting classifications of pathogenicity. Review status: criteria provided, conflicting classifications (1 of 4 stars). 2 submissions from 2 submitters: Uncertain significance (1); Likely benign (1). Last evaluated 2026-08-04.

Conditions:
Early-infantile DEE. Also called: Ohtahara syndrome; Early infantile epileptic encephalopathy with suppression bursts; Early infantile epileptic encephalopathy. Identifiers: Orphanet 1934, MedGen C0393706, MONDO:0800491.

Allele frequency attached by ClinVar (database versions not stated): TOPMed below 0.00001.

Submissions (2):

GeneDx
Classification: Uncertain significance. Last evaluated: 2026-08-04. Review status: criteria provided, single submitter. Criteria: GeneDx Variant Classification Process June 2021. Collection method: clinical testing. Allele origin: germline.
Comment: Not observed at significant frequency in large population cohorts (gnomAD); Has not been previously published as pathogenic or benign to our knowledge; Nonsense variant predicted to result in protein truncation or nonsense mediated decay in a gene or region of a gene for which loss of function is not a well-established mechanism of disease

Labcorp Genetics (formerly Invitae), Labcorp
Classification: Likely benign for Early-infantile DEE. Last evaluated: 2021-11-27. Review status: criteria provided, single submitter. Criteria: Invitae Variant Classification Sherloc (09022015). Collection method: clinical testing. Allele origin: germline.